The following is an entry in ClinVar:

ClinVar aggregate classification (germline): Pathogenic/Likely pathogenic. Review status: criteria provided, multiple submitters, no conflicts (2 of 4 stars). 2 submissions from 2 submitters: Pathogenic (1); Likely pathogenic (1). Last evaluated 2025-12-06.

Conditions:
Sulfite oxidase deficiency due to molybdenum cofactor deficiency type B1 (MOCODB1). Also called: MOLYBDENUM COFACTOR DEFICIENCY, TYPE B1; Molybdenum cofactor deficiency, complementation group B; Sulfite oxidase deficiency due to molybdenum cofactor deficiency type B; Molybdenum cofactor deficiency B. Identifiers: Orphanet 308393, Orphanet 833, MedGen C6065887, MONDO:0009644, OMIM 252160.

Submissions (2):

Labcorp Genetics (formerly Invitae), Labcorp
Classification: Pathogenic. Last evaluated: 2025-12-06. Review status: criteria provided, single submitter. Criteria: Invitae Variant Classification Sherloc (09022015). Collection method: clinical testing. Allele origin: germline.
Comment: This sequence change creates a premature translational stop signal (p.Met36Glyfs*2) in the MOCS2B gene. It is expected to result in an absent or disrupted protein product. Loss-of-function variants in MOCS2B are known to be pathogenic (PMID: 21031595). This variant is present in population databases (no rsID available, gnomAD 0.0009%). This variant has not been reported in the literature in individuals affected with MOCS2B-related conditions. For these reasons, this variant has been classified as Pathogenic.

Fulgent Genetics
Classification: Likely pathogenic for Sulfite oxidase deficiency due to molybdenum cofactor deficiency type B1. Last evaluated: 2024-06-17. Review status: criteria provided, single submitter. Criteria: ACMG Guidelines, 2015. Collection method: clinical testing. Allele origin: germline.

Literature cited by the submitters: PubMed 21031595 (cited by Labcorp Genetics (formerly Invitae), Labcorp).

NM_004531.5(MOCS2):c.106_107del (p.Met36fs)

Gene: MOCS2 (molybdenum cofactor synthesis 2; minus strand). Cytogenetic location: 5q11.2.
Variant type: Microsatellite.
Coding change: c.106_107del on transcript NM_004531.5 (MANE Select); coding-DNA positions 106 to 107, 2 bases deleted (AT; older notation c.106_107delAT).
Protein change: p.Met36fs; shifts the reading frame from methionine 36.
Molecular consequence: frameshift variant. On other transcripts: 3 prime UTR variant (1).
Genome position (GRCh38, 1-based): chr5:53,102,216-53,102,217, AT deleted on the plus strand (AT on the coding strand, the reverse complement: MOCS2 is on the minus strand); deleting any 2 consecutive bases within chr5:53,102,216-53,102,219 gives the same sequence; the c. name uses the placement nearest the transcript's 3' end. VCF-style (leftmost placement, unchanged base first): chr5-53102215-CAT-C. GRCh37 (hg19) VCF-style: chr5-52398045-CAT-C.
Other names: c.*24AT[1] (NM_176806.4); c.104_105AT[1], p.Met36Glyfs (NM_183418.1); short protein forms M36fs.
Identifiers: ClinVar variation 2998110 (VCV002998110.4), dbSNP rs1491154396, ClinGen allele CA118890060.